The following is an entry in ClinVar:

NM_080473.5(GATA5):c.1126C>T (p.Pro376Ser)

Gene: GATA5 (GATA binding protein 5; minus strand). Cytogenetic location: 20q13.33.
Variant type: single nucleotide variant.
Coding change: c.1126C>T on transcript NM_080473.5 (MANE Select); coding-DNA position 1126, C replaced by T.
Protein change: p.Pro376Ser; replaces proline 376 with serine.
Molecular consequence: missense variant.
Genome position (GRCh38, 1-based): chr20:62,464,904, G>A on the plus strand (C>T on the coding strand, the complement: GATA5 is on the minus strand). VCF-style: chr20-62464904-G-A. GRCh37 (hg19) VCF-style: chr20-61039960-G-A.
Other names: short protein forms P376S.
Identifiers: ClinVar variation 1987519 (VCV001987519.4), dbSNP rs1262056501, ClinGen allele CA409551682.

ClinVar aggregate classification (germline): Uncertain significance (1 of 4 stars; one submission).

Allele frequency attached by ClinVar (database versions not stated): TOPMed below 0.00001; gnomAD 0.00001.
gnomAD v4.1: 1 of 1,611,044 alleles (0.000062%); highest among the groups gnomAD compares: East Asian, 0.0022%; no homozygotes.

Submission:

Labcorp Genetics (formerly Invitae), Labcorp
Classification: Uncertain significance. Last evaluated: 2022-04-01. Review status: criteria provided, single submitter. Criteria: Invitae Variant Classification Sherloc (09022015). Collection method: clinical testing. Allele origin: germline.
Comment: In summary, the available evidence is currently insufficient to determine the role of this variant in disease. Therefore, it has been classified as a Variant of Uncertain Significance. Algorithms developed to predict the effect of missense changes on protein structure and function are either unavailable or do not agree on the potential impact of this missense change (SIFT: "Deleterious"; PolyPhen-2: "Benign"; Align-GVGD: "Class C0"). This variant has not been reported in the literature in individuals affected with GATA5-related conditions. This variant is not present in population databases (gnomAD no frequency). This sequence change replaces proline, which is neutral and non-polar, with serine, which is neutral and polar, at codon 376 of the GATA5 protein (p.Pro376Ser).